The following is an entry in ClinVar:

NM_001276266.2(DUOXA1):c.638C>T (p.Thr213Met)

Gene: DUOXA1 (dual oxidase maturation factor 1; minus strand). Cytogenetic location: 15q21.1.
Variant type: single nucleotide variant.
Coding change: c.638C>T on transcript NM_001276266.2 (MANE Select); coding-DNA position 638, C replaced by T.
Protein change: p.Thr213Met; replaces threonine 213 with methionine.
Molecular consequence: missense variant.
Genome position (GRCh38, 1-based): chr15:45,120,237, G>A on the plus strand (C>T on the coding strand, the complement: DUOXA1 is on the minus strand). VCF-style: chr15-45120237-G-A. GRCh37 (hg19) VCF-style: chr15-45412435-G-A.
Other names: c.638C>T, p.Thr213Met (NM_001276264.2, NM_144565.4); c.503C>T, p.Thr168Met (NM_001276265.1, NM_001276267.2, NM_001276268.2 and 1 more transcripts); short protein forms T168M, T213M.
Identifiers: ClinVar variation 4820695 (VCV004820695.4).

ClinVar aggregate classification (germline): Likely benign (1 of 4 stars; one submission).

gnomAD v4.1: 4,746 of 1,614,138 alleles (0.29%); highest among the groups gnomAD compares: South Asian, 0.83%; 30 homozygotes.

Submission:

CeGaT Center for Human Genetics Tuebingen
Classification: Likely benign. Last evaluated: 2026-02-01. Review status: criteria provided, single submitter. Criteria: CeGaT Center For Human Genetics Tuebingen Variant Classification Criteria Version 2. Collection method: clinical testing. Allele origin: germline. Affected: yes. Observed: 1 variant allele.
Comment: DUOXA1: BP4, BS2